The following is an entry in ClinVar:

ClinVar aggregate classification (germline): Uncertain significance (1 of 4 stars; one submission).

Submission:

Dasa
Classification: Uncertain significance. Last evaluated: 2025-08-02. Review status: criteria provided, single submitter. Criteria: DASA Assertion Criteria. Collection method: clinical testing. Allele origin: germline.
Comment: NM_018230.3(NUP133):c.1345G>A (p.Asp449Asn) is a missense variant that results in the substitution of aspartic acid with asparagine. This variant is absent from population databases. The currently available literature and clinical evidence are not sufficient to establish a definitive association between this variant and the reported condition. Therefore, this variant is classified as a variant of uncertain significance.

NM_018230.3(NUP133):c.1345G>A (p.Asp449Asn)

Gene: NUP133 (nucleoporin 133; minus strand). Cytogenetic location: 1q42.13.
Variant type: single nucleotide variant.
Coding change: c.1345G>A on transcript NM_018230.3 (MANE Select); coding-DNA position 1345, G replaced by A.
Protein change: p.Asp449Asn; replaces aspartic acid 449 with asparagine.
Molecular consequence: missense variant.
Genome position (GRCh38, 1-based): chr1:229,486,526, C>T on the plus strand (G>A on the coding strand, the complement: NUP133 is on the minus strand). VCF-style: chr1-229486526-C-T. GRCh37 (hg19) VCF-style: chr1-229622273-C-T.
Other names: short protein forms D449N.
Identifiers: ClinVar variation 4885189 (VCV004885189.2).